The following is an entry in ClinVar:

NM_000392.5(ABCC2):c.3759C>T (p.Asn1253=)

Gene: ABCC2 (ATP binding cassette subfamily C member 2; plus strand). Cytogenetic location: 10q24.2.
Variant type: single nucleotide variant.
Coding change: c.3759C>T on transcript NM_000392.5 (MANE Select); coding-DNA position 3759, C replaced by T.
Protein change: p.Asn1253=; no amino-acid change (asparagine 1253 retained).
Molecular consequence: synonymous variant.
Genome position (GRCh38, 1-based): chr10:99,843,816, C>T. VCF-style: chr10-99843816-C-T. GRCh37 (hg19) VCF-style: chr10-101603573-C-T.
Other names: c.3759C>T (NM_000392.4).
Identifiers: ClinVar variation 1906912 (VCV001906912.6), dbSNP rs931341519, ClinGen allele CA212866886.

ClinVar aggregate classification (germline): Likely benign. Review status: criteria provided, multiple submitters, no conflicts (2 of 4 stars). 2 submissions from 2 submitters: Likely benign (2). Last evaluated 2026-01-13.

Conditions:
ABCC2-related disorder. Also called: ABCC2-related condition.

gnomAD v4.1: 7 of 1,614,036 alleles (0.00043%); highest among the groups gnomAD compares: African/African-American, 0.008%; no homozygotes.

Submissions (2):

PreventionGenetics, part of Exact Sciences
Classification: Likely benign for ABCC2-related condition. Last evaluated: 2026-01-13. Review status: criteria provided, single submitter. Criteria: ACMG Guidelines, 2015. Collection method: clinical testing. Allele origin: germline.
Comment: This variant is classified as likely benign based on ACMG/AMP sequence variant interpretation guidelines (Richards et al. 2015 PMID: 25741868, with internal and published modifications).

Labcorp Genetics (formerly Invitae), Labcorp
Classification: Likely benign. Last evaluated: 2023-08-08. Review status: criteria provided, single submitter. Criteria: Invitae Variant Classification Sherloc (09022015). Collection method: clinical testing. Allele origin: germline.